The following is an entry in ClinVar:

NM_001267550.2(TTN):c.15792T>C (p.Ile5264=)

Gene: TTN (titin; minus strand). Cytogenetic location: 2q31.2.
Variant type: single nucleotide variant.
Coding change: c.15792T>C on transcript NM_001267550.2 (MANE Select); coding-DNA position 15792, T replaced by C.
Protein change: p.Ile5264=; no amino-acid change (isoleucine 5264 retained).
Molecular consequence: synonymous variant. On other transcripts: intron variant (3).
Genome position (GRCh38, 1-based): chr2:178,733,501, A>G on the plus strand (T>C on the coding strand, the complement: TTN is on the minus strand). VCF-style: chr2-178733501-A-G. GRCh37 (hg19) VCF-style: chr2-179598228-A-G.
Other names: p.I4947I:ATT>ATC; p.Ile4020=; c.13282+4581T>C (NM_003319.4); c.13858+4581T>C (NM_133437.4); c.13657+4581T>C (NM_133432.3); c.14841T>C, p.Ile4947= (NM_001256850.1); c.12060T>C, p.Ile4020= (NM_133378.4).
Identifiers: ClinVar variation 46607 (VCV000046607.34), dbSNP rs12993099, ClinGen allele CA282688.

ClinVar aggregate classification (germline): Benign/Likely benign. Review status: criteria provided, multiple submitters, no conflicts (2 of 4 stars). 22 submissions from 15 submitters: Benign (18); Likely benign (2). 2 of the submissions do not count toward it. Last evaluated 2026-02-04.

Conditions:
Cardiovascular phenotype. Identifiers: MedGen CN230736.
Autosomal recessive limb-girdle muscular dystrophy type 2J (LGMDR10). Also called: Limb-girdle muscular dystrophy, type 2J; MUSCULAR DYSTROPHY, LIMB-GIRDLE, AUTOSOMAL RECESSIVE 10. Identifiers: Orphanet 140922, MedGen C1837342, MONDO:0012127, OMIM 608807.
Dilated cardiomyopathy 1G (CMD1G). Identifiers: Orphanet 154, MedGen C1858763, MONDO:0011400, OMIM 604145.
Early-onset myopathy with fatal cardiomyopathy (CMYO5). Also called: Salih Myopathy; CONGENITAL MYOPATHY 5 WITH CARDIOMYOPATHY. Identifiers: Orphanet 289377, MedGen C2673677, MONDO:0012714, OMIM 611705. Disease mechanism: loss of function.
Myopathy, myofibrillar, 9, with early respiratory failure (MFM9). Also called: Hereditary myopathy with early respiratory failure; EDSTROM MYOPATHY; MYOPATHY, PROXIMAL, WITH EARLY RESPIRATORY MUSCLE INVOLVEMENT; Myopathy, distal, with early respiratory failure, autosomal dominant. Identifiers: Orphanet 178464, Orphanet 34521, MedGen C1863599, MONDO:0011362, OMIM 603689.
Tibial muscular dystrophy (TMD). Also called: UDD MYOPATHY; Udd Distal Myopathy – Tibial Muscular Dystrophy; Tibial muscular dystrophy, tardive. Identifiers: Orphanet 609, MedGen C1838244, MONDO:0010870, OMIM 600334.

Allele frequency attached by ClinVar (database versions not stated): 1000 Genomes Project 30x 0.02920; 1000 Genomes Project 0.02955; gnomAD 0.05297 and 0.05590; gnomAD exomes 0.05309 and 0.06854; ExAC 0.05368; TOPMed 0.05549; ESP Exome Variant Server 0.05894.
gnomAD v4.1: 107,922 of 1,610,452 alleles (6.7%); highest among the groups gnomAD compares: Middle Eastern, 14%; 4,204 homozygotes.

Submissions (22):

Labcorp Genetics (formerly Invitae), Labcorp
Classification: Benign for Dilated cardiomyopathy 1G; Autosomal recessive limb-girdle muscular dystrophy type 2J. Last evaluated: 2026-02-04. Review status: criteria provided, single submitter. Criteria: Invitae Variant Classification Sherloc (09022015). Collection method: clinical testing. Allele origin: germline.

Molecular Diagnostic Laboratory for Inherited Cardiovascular Disease, Montreal Heart Institute
Classification: Benign. Last evaluated: 2025-04-09. Review status: criteria provided, single submitter. Criteria: ACMG Guidelines, 2015. Collection method: clinical testing. Allele origin: germline. Affected: no.

Blueprint Genetics
Classification: Benign. Last evaluated: 2024-11-26. Review status: criteria provided, single submitter. Criteria: ACMG Guidelines, 2015. Collection method: clinical testing. Allele origin: germline.

Genome-Nilou Lab
Classification: Benign for Autosomal recessive limb-girdle muscular dystrophy type 2J. Last evaluated: 2021-09-10. Review status: criteria provided, single submitter. Criteria: ACMG Guidelines, 2015. Collection method: clinical testing. Allele origin: germline. Affected: no.

Genome-Nilou Lab
Classification: Benign for Myopathy, myofibrillar, 9, with early respiratory failure. Last evaluated: 2021-09-10. Review status: criteria provided, single submitter. Criteria: ACMG Guidelines, 2015. Collection method: clinical testing. Allele origin: germline. Affected: no.

Genome-Nilou Lab
Classification: Benign for Early-onset myopathy with fatal cardiomyopathy. Last evaluated: 2021-09-10. Review status: criteria provided, single submitter. Criteria: ACMG Guidelines, 2015. Collection method: clinical testing. Allele origin: germline. Affected: no.

Genome-Nilou Lab
Classification: Benign for Tibial muscular dystrophy. Last evaluated: 2021-09-10. Review status: criteria provided, single submitter. Criteria: ACMG Guidelines, 2015. Collection method: clinical testing. Allele origin: germline. Affected: no.

Women's Health and Genetics/Laboratory Corporation of America, LabCorp
Classification: Benign. Last evaluated: 2019-08-27. Review status: criteria provided, single submitter. Criteria: LabCorp Variant Classification Summary - May 2015. Collection method: clinical testing. Allele origin: germline.

Illumina Laboratory Services, Illumina
Classification: Benign for Autosomal recessive limb-girdle muscular dystrophy type 2J. Last evaluated: 2018-01-13. Review status: criteria provided, single submitter. Criteria: ICSL Variant Classification Criteria 13 December 2019. Collection method: clinical testing. Allele origin: germline.
Comment: This variant was observed in the ICSL laboratory as part of a predisposition screen in an ostensibly healthy population. It had not been previously curated by ICSL or reported in the Human Gene Mutation Database (HGMD: prior to June 1st, 2018), and was therefore a candidate for classification through an automated scoring system. Utilizing variant allele frequency, disease prevalence and penetrance estimates, and inheritance mode, an automated score was calculated to assess if this variant is too frequent to cause the disease. Based on the score and internal cut-off values, a variant classified as benign is not then subjected to further curation. The score for this variant resulted in a classification of benign for this disease.

Illumina Laboratory Services, Illumina
Classification: Benign for Myopathy, myofibrillar, 9, with early respiratory failure. Last evaluated: 2018-01-13. Review status: criteria provided, single submitter. Criteria: ICSL Variant Classification Criteria 13 December 2019. Collection method: clinical testing. Allele origin: germline.
Comment: the same text as in the submission from Illumina Laboratory Services, Illumina above.

Illumina Laboratory Services, Illumina
Classification: Benign for Tibial muscular dystrophy. Last evaluated: 2018-01-13. Review status: criteria provided, single submitter. Criteria: ICSL Variant Classification Criteria 13 December 2019. Collection method: clinical testing. Allele origin: germline.
Comment: the same text as in the submission from Illumina Laboratory Services, Illumina above.

Illumina Laboratory Services, Illumina
Classification: Benign for Early-onset myopathy with fatal cardiomyopathy. Last evaluated: 2018-01-13. Review status: criteria provided, single submitter. Criteria: ICSL Variant Classification Criteria 13 December 2019. Collection method: clinical testing. Allele origin: germline.
Comment: the same text as in the submission from Illumina Laboratory Services, Illumina above.

Illumina Laboratory Services, Illumina
Classification: Likely benign for Dilated cardiomyopathy 1G. Last evaluated: 2018-01-13. Review status: criteria provided, single submitter. Criteria: ICSL Variant Classification Criteria 13 December 2019. Collection method: clinical testing. Allele origin: germline.
Comment: This variant was observed in the ICSL laboratory as part of a predisposition screen in an ostensibly healthy population. It had not been previously curated by ICSL or reported in the Human Gene Mutation Database (HGMD: prior to June 1st, 2018), and was therefore a candidate for classification through an automated scoring system. Utilizing variant allele frequency, disease prevalence and penetrance estimates, and inheritance mode, an automated score was calculated to assess if this variant is too frequent to cause the disease. Based on the score and internal cut-off values, a variant classified as likely benign is not then subjected to further curation. The score for this variant resulted in a classification of likely benign for this disease.

Mayo Clinic Laboratories, Mayo Clinic
Classification: Benign. Last evaluated: 2017-08-25. Review status: criteria provided, single submitter. Criteria: ACMG Guidelines, 2015. Collection method: clinical testing. Allele origin: germline. Observed: 326 variant alleles.

Genetic Services Laboratory, University of Chicago
Classification: Benign for AllHighlyPenetrant. Last evaluated: 2013-08-15. Review status: criteria provided, single submitter. Criteria: ACMG Guidelines, 2007. Collection method: clinical testing. Allele origin: germline.

Ambry Genetics
Classification: Benign for Cardiovascular phenotype. Last evaluated: 2012-11-16. Review status: criteria provided, single submitter. Criteria: Ambry Autosomal Dominant and X-Linked criteria (10/2015). Collection method: clinical testing. Allele origin: germline. Observed: 1 variant allele.

GeneDx
Classification: Benign. Last evaluated: 2012-10-31. Review status: criteria provided, single submitter. Criteria: GeneDx Variant Classification (06012015). Collection method: clinical testing. Allele origin: germline. Affected: yes.
Comment: This variant is considered likely benign or benign based on one or more of the following criteria: it is a conservative change, it occurs at a poorly conserved position in the protein, it is predicted to be benign by multiple in silico algorithms, and/or has population frequency not consistent with disease.

Laboratory for Molecular Medicine, Mass General Brigham Personalized Medicine
Classification: Benign. Last evaluated: 2012-04-19. Review status: criteria provided, single submitter. Criteria: LMM Criteria. Collection method: clinical testing. Allele origin: germline. Observed: 228 variant alleles.

Breakthrough Genomics
Classification: Likely benign. Review status: criteria provided, single submitter. Criteria: ACMG Guidelines, 2015. Collection method: not provided. Allele origin: germline. Inheritance: Autosomal recessive inheritance. Affected: yes.

PreventionGenetics, part of Exact Sciences
Classification: Benign. Review status: criteria provided, single submitter. Criteria: ACMG Guidelines, 2015. Collection method: clinical testing. Allele origin: germline.

Clinical Genetics DNA and cytogenetics Diagnostics Lab, Erasmus MC, Erasmus Medical Center
Classification: Benign. Review status: no assertion criteria provided. Collection method: clinical testing. Allele origin: germline. Affected: yes. Study: VKGL Data-share Consensus. Not counted in ClinVar's aggregate classification.

Clinical Genetics, Academic Medical Center
Classification: Benign. Review status: no assertion criteria provided. Collection method: clinical testing. Allele origin: germline. Affected: yes. Study: VKGL Data-share Consensus. Not counted in ClinVar's aggregate classification.